The following is an entry in ClinVar:

NM_002562.6(P2RX7):c.125+1G>T

Gene: P2RX7 (purinergic receptor P2X 7; plus strand). Cytogenetic location: 12q24.31.
Variant type: single nucleotide variant.
Coding change: c.125+1G>T on transcript NM_002562.6 (MANE Select); the canonical splice donor site of the intron after coding-DNA position 125, G replaced by T.
Molecular consequence: splice donor variant.
Genome position (GRCh38, 1-based): chr12:121,133,096, G>T. VCF-style: chr12-121133096-G-T. GRCh37 (hg19) VCF-style: chr12-121570899-G-T.
Other names: NC_000012.11:g.121570899G>T.
Identifiers: ClinVar variation 489390 (VCV000489390.9), dbSNP rs35933842, ClinGen allele CA6833077.

ClinVar aggregate classification (germline): Conflicting classifications of pathogenicity. Review status: criteria provided, conflicting classifications (1 of 4 stars). 3 submissions from 3 submitters: Uncertain significance (1); Likely benign (2). Last evaluated 2026-04-01.

Conditions:
Primary ciliary dyskinesia. Also called: Ciliary dyskinesia. Identifiers: Orphanet 244, MedGen C0008780, MONDO:0016575, HP:0012265.

Allele frequency attached by ClinVar (database versions not stated): 1000 Genomes Project 30x 0.00344; 1000 Genomes Project 0.00359; gnomAD 0.00528 and 0.00535; ExAC 0.00539; gnomAD exomes 0.00553; TOPMed 0.00556; ESP Exome Variant Server 0.00738.
gnomAD v4.1: 11,723 of 1,614,138 alleles (0.73%); highest among the groups gnomAD compares: Middle Eastern, 1%; 61 homozygotes.

Submissions (14):

Department of Human Genetics, Hannover Medical School
Classification: Uncertain significance for Primary Ciliary Dyskinesia. Last evaluated: 2026-04-01. Review status: criteria provided, single submitter. Criteria: ACMG Guidelines, 2015. Collection method: research. Allele origin: germline. Affected: no.
Comment: Classification performed by HerediClassify using the following criteria:['PVS1_splicing_strong: Transcript ENST00000328963 does not undergo NMD and reading frame is not preserved. Protein length change of 0.9915966386554622 observed.']

Labcorp Genetics (formerly Invitae), Labcorp
Classification: Likely benign. Last evaluated: 2019-12-31. Review status: criteria provided, single submitter. Criteria: Invitae Variant Classification Sherloc (09022015). Collection method: clinical testing. Allele origin: germline.

Breakthrough Genomics
Classification: Likely benign. Review status: criteria provided, single submitter. Criteria: ACMG Guidelines, 2015. Collection method: not provided. Allele origin: germline. Inheritance: Unknown mechanism. Affected: yes.

Dr. Peter K. Rogan Lab, Western University
No classification provided (evidence only). Condition: Clear cell carcinoma of kidney. Review status: no classification provided. Collection method: in vitro. Allele origin: not applicable. Functional consequence: retained intron. Not counted in ClinVar's aggregate classification.

Dr. Peter K. Rogan Lab, Western University
No classification provided (evidence only). Condition: Clear cell carcinoma of kidney. Review status: no classification provided. Collection method: in vitro. Allele origin: not applicable. Functional consequence: retained intron. Not counted in ClinVar's aggregate classification.

Dr. Peter K. Rogan Lab, Western University
No classification provided (evidence only). Condition: Clear cell carcinoma of kidney. Review status: no classification provided. Collection method: in vitro. Allele origin: not applicable. Functional consequence: retained intron. Not counted in ClinVar's aggregate classification.

Dr. Peter K. Rogan Lab, Western University
No classification provided (evidence only). Condition: Melanoma. Review status: no classification provided. Collection method: in vitro. Allele origin: not applicable. Functional consequence: retained intron. Not counted in ClinVar's aggregate classification.

Dr. Peter K. Rogan Lab, Western University
No classification provided (evidence only). Condition: Melanoma. Review status: no classification provided. Collection method: in vitro. Allele origin: not applicable. Functional consequence: retained intron. Not counted in ClinVar's aggregate classification.

Dr. Peter K. Rogan Lab, Western University
No classification provided (evidence only). Condition: Acute myeloid leukemia. Review status: no classification provided. Collection method: in vitro. Allele origin: not applicable. Functional consequence: retained intron. Not counted in ClinVar's aggregate classification.

Dr. Peter K. Rogan Lab, Western University
No classification provided (evidence only). Condition: Acute myeloid leukemia. Review status: no classification provided. Collection method: in vitro. Allele origin: not applicable. Functional consequence: retained intron. Not counted in ClinVar's aggregate classification.

Dr. Peter K. Rogan Lab, Western University
No classification provided (evidence only). Condition: Acute myeloid leukemia. Review status: no classification provided. Collection method: in vitro. Allele origin: not applicable. Functional consequence: retained intron. Not counted in ClinVar's aggregate classification.

Dr. Peter K. Rogan Lab, Western University
No classification provided (evidence only). Condition: Hepatocellular carcinoma. Review status: no classification provided. Collection method: in vitro. Allele origin: not applicable. Functional consequence: retained intron. Not counted in ClinVar's aggregate classification.

Dr. Peter K. Rogan Lab, Western University
No classification provided (evidence only). Condition: Adrenocortical carcinoma, hereditary. Review status: no classification provided. Collection method: in vitro. Allele origin: not applicable. Functional consequence: retained intron. Not counted in ClinVar's aggregate classification.

Dr. Peter K. Rogan Lab, Western University
No classification provided (evidence only). Condition: Malignant tumor of esophagus. Review status: no classification provided. Collection method: in vitro. Allele origin: not applicable. Functional consequence: retained intron. Not counted in ClinVar's aggregate classification.